The following is an entry in ClinVar:

ClinVar aggregate classification (germline): Benign/Likely benign. Review status: criteria provided, multiple submitters, no conflicts (2 of 4 stars). 8 submissions from 8 submitters: Benign (1); Likely benign (5). 2 of the submissions do not count toward it. Last evaluated 2026-07-01.

Conditions:
Microcephaly and chorioretinopathy 1. Also called: Microcephaly and chorioretinopathy, autosomal recessive, 1. Identifiers: MedGen C3278481, MONDO:0009624, OMIM 251270.

Allele frequency attached by ClinVar (database versions not stated): 1000 Genomes Project 30x 0.00094; 1000 Genomes Project 0.00120; TOPMed 0.00178; ESP Exome Variant Server 0.00192; gnomAD 0.00237 and 0.00248; gnomAD exomes 0.00253 and 0.00301; ExAC 0.00268.
gnomAD v4.1: 4,445 of 1,514,186 alleles (0.29%); highest among the groups gnomAD compares: Non-Finnish European, 0.32%; 9 homozygotes.

Submissions (12):

CeGaT Center for Human Genetics Tuebingen
Classification: Likely benign. Last evaluated: 2026-07-01. Review status: criteria provided, single submitter. Criteria: CeGaT Center For Human Genetics Tuebingen Variant Classification Criteria Version 2. Collection method: clinical testing. Allele origin: germline. Affected: yes. Observed: 14 variant alleles.
Comment: TUBGCP6: BP4, BP7

Labcorp Genetics (formerly Invitae), Labcorp
Classification: Benign. Last evaluated: 2026-02-01. Review status: criteria provided, single submitter. Criteria: Invitae Variant Classification Sherloc (09022015). Collection method: clinical testing. Allele origin: germline.

Blueprint Genetics
Classification: Likely benign. Last evaluated: 2024-11-28. Review status: criteria provided, single submitter. Criteria: ACMG Guidelines, 2015. Collection method: clinical testing. Allele origin: germline.

Fulgent Genetics
Classification: Likely benign for Microcephaly and chorioretinopathy 1. Last evaluated: 2022-02-07. Review status: criteria provided, single submitter. Criteria: ACMG Guidelines, 2015. Collection method: clinical testing. Allele origin: unknown.

GeneDx
Classification: Likely benign. Last evaluated: 2019-08-07. Review status: criteria provided, single submitter. Criteria: GeneDx Variant Classification Process June 2021. Collection method: clinical testing. Allele origin: germline. Affected: yes.

Breakthrough Genomics
Classification: Likely benign. Review status: criteria provided, single submitter. Criteria: ACMG Guidelines, 2015. Collection method: not provided. Allele origin: germline. Inheritance: Autosomal recessive inheritance. Affected: yes.

Clinical Genetics DNA and cytogenetics Diagnostics Lab, Erasmus MC, Erasmus Medical Center
Classification: Likely benign. Review status: no assertion criteria provided. Collection method: clinical testing. Allele origin: germline. Affected: yes. Study: VKGL Data-share Consensus. Not counted in ClinVar's aggregate classification.

Clinical Genetics, Academic Medical Center
Classification: Likely benign. Review status: no assertion criteria provided. Collection method: clinical testing. Allele origin: germline. Affected: yes. Study: VKGL Data-share Consensus. Not counted in ClinVar's aggregate classification.

Dr. Peter K. Rogan Lab, Western University
No classification provided (evidence only). Condition: Clear cell carcinoma of kidney. Review status: no classification provided. Collection method: in vitro. Allele origin: not applicable. Functional consequence: retained intron. Not counted in ClinVar's aggregate classification.

Dr. Peter K. Rogan Lab, Western University
No classification provided (evidence only). Condition: Melanoma. Review status: no classification provided. Collection method: in vitro. Allele origin: not applicable. Functional consequence: retained intron. Not counted in ClinVar's aggregate classification.

Dr. Peter K. Rogan Lab, Western University
No classification provided (evidence only). Condition: Thyroid cancer, nonmedullary, 1. Review status: no classification provided. Collection method: in vitro. Allele origin: not applicable. Functional consequence: retained intron. Not counted in ClinVar's aggregate classification.

Dr. Peter K. Rogan Lab, Western University
No classification provided (evidence only). Condition: Gastric cancer. Review status: no classification provided. Collection method: in vitro. Allele origin: not applicable. Functional consequence: retained intron. Not counted in ClinVar's aggregate classification.

NM_020461.4(TUBGCP6):c.2487C>G (p.Val829=)

Gene: TUBGCP6 (tubulin gamma complex component 6; minus strand). Cytogenetic location: 22q13.33.
Variant type: single nucleotide variant.
Coding change: c.2487C>G on transcript NM_020461.4 (MANE Select); coding-DNA position 2487, C replaced by G.
Protein change: p.Val829=; no amino-acid change (valine 829 retained).
Molecular consequence: synonymous variant.
Genome position (GRCh38, 1-based): chr22:50,221,872, G>C on the plus strand (C>G on the coding strand, the complement: TUBGCP6 is on the minus strand). VCF-style: chr22-50221872-G-C. GRCh37 (hg19) VCF-style: chr22-50660301-G-C.
Identifiers: ClinVar variation 719310 (VCV000719310.59), dbSNP rs139343360, ClinGen allele CA10308182.